The following is an entry in ClinVar:

ClinVar aggregate classification (germline): Benign (1 of 4 stars; one submission).

Allele frequency attached by ClinVar (database versions not stated): 1000 Genomes Project 0.00180; 1000 Genomes Project 30x 0.00203; TOPMed 0.00678; ESP Exome Variant Server 0.00884.
gnomAD v4.1: 17,697 of 1,612,358 alleles (1.1%); highest among the groups gnomAD compares: Non-Finnish European, 1.3%; 112 homozygotes.

Submission:

CeGaT Center for Human Genetics Tuebingen
Classification: Benign. Last evaluated: 2022-10-01. Review status: criteria provided, single submitter. Criteria: CeGaT Center For Human Genetics Tuebingen Variant Classification Criteria Version 2. Collection method: clinical testing. Allele origin: germline. Affected: yes. Observed: 1 variant allele.
Comment: COL6A5: BS1, BS2

NM_001278298.2(COL6A5):c.6453G>A (p.Ala2151=)

Gene: COL6A5 (collagen type VI alpha 5 chain; plus strand). Cytogenetic location: 3q22.1.
Variant type: single nucleotide variant.
Coding change: c.6453G>A on transcript NM_001278298.2 (MANE Select); coding-DNA position 6453, G replaced by A.
Protein change: p.Ala2151=; no amino-acid change (alanine 2151 retained).
Molecular consequence: synonymous variant. On other transcripts: non-coding transcript variant (1).
Genome position (GRCh38, 1-based): chr3:130,440,791, G>A. VCF-style: chr3-130440791-G-A. GRCh37 (hg19) VCF-style: chr3-130159635-G-A.
Other names: c.6453G>A, p.Ala2151= (NM_001412157.1, NM_153264.7).
Identifiers: ClinVar variation 2654135 (VCV002654135.24), dbSNP rs73214742, ClinGen allele CA2611480.